The following is an entry in ClinVar:

NM_152783.5(D2HGDH):c.1386C>T (p.Tyr462=)

Gene: D2HGDH (D-2-hydroxyglutarate dehydrogenase; plus strand). Cytogenetic location: 2q37.3.
Variant type: single nucleotide variant.
Coding change: c.1386C>T on transcript NM_152783.5 (MANE Select); coding-DNA position 1386, C replaced by T.
Protein change: p.Tyr462=; no amino-acid change (tyrosine 462 retained).
Molecular consequence: synonymous variant. On other transcripts: non-coding transcript variant (1).
Genome position (GRCh38, 1-based): chr2:241,767,789, C>T. VCF-style: chr2-241767789-C-T. GRCh37 (hg19) VCF-style: chr2-242707204-C-T.
Other names: c.984C>T, p.Tyr328= (NM_001287249.2); c.825C>T, p.Tyr275= (NM_001352824.2).
Identifiers: ClinVar variation 723735 (VCV000723735.17), dbSNP rs201294258, ClinGen allele CA2222219.

ClinVar aggregate classification (germline): Benign/Likely benign. Review status: criteria provided, multiple submitters, no conflicts (2 of 4 stars). 3 submissions from 3 submitters: Benign (1); Likely benign (2). Last evaluated 2026-01-21.

Conditions:
D-2-hydroxyglutaric aciduria 1 (D2HGA1). Identifiers: Orphanet 79315, MedGen C3152055, MONDO:0024554, OMIM 600721.

Allele frequency attached by ClinVar (database versions not stated): gnomAD 0.00019 and 0.00034; TOPMed 0.00060; ExAC 0.00115; 1000 Genomes Project 30x 0.00125; gnomAD exomes 0.00128; 1000 Genomes Project 0.00160.
gnomAD v4.1: 973 of 1,612,304 alleles (0.06%); highest among the groups gnomAD compares: East Asian, 1.5%; 8 homozygotes.

Submissions (3):

Labcorp Genetics (formerly Invitae), Labcorp
Classification: Benign for D-2-hydroxyglutaric aciduria 1. Last evaluated: 2026-01-21. Review status: criteria provided, single submitter. Criteria: Invitae Variant Classification Sherloc (09022015). Collection method: clinical testing. Allele origin: germline.

Illumina Laboratory Services, Illumina
Classification: Likely benign for D-2-hydroxyglutaric aciduria 1. Last evaluated: 2018-01-13. Review status: criteria provided, single submitter. Criteria: ICSL Variant Classification Criteria 13 December 2019. Collection method: clinical testing. Allele origin: germline.
Comment: This variant was observed in the ICSL laboratory as part of a predisposition screen in an ostensibly healthy population. It had not been previously curated by ICSL or reported in the Human Gene Mutation Database (HGMD: prior to June 1st, 2018), and was therefore a candidate for classification through an automated scoring system. Utilizing variant allele frequency, disease prevalence and penetrance estimates, and inheritance mode, an automated score was calculated to assess if this variant is too frequent to cause the disease. Based on the score and internal cut-off values, a variant classified as likely benign is not then subjected to further curation. The score for this variant resulted in a classification of likely benign for this disease.

Genetic Services Laboratory, University of Chicago
Classification: Likely benign. Last evaluated: 2017-11-08. Review status: criteria provided, single submitter. Criteria: ACMG Guidelines, 2015. Collection method: clinical testing. Allele origin: germline. Affected: no.